The following is an entry in ClinVar:

ClinVar aggregate classification (germline): Likely benign (0 of 4 stars; one submission).

Conditions:
CAPN5-related disorder. Also called: CAPN5-related condition.

Allele frequency attached by ClinVar (database versions not stated): gnomAD 0.00001; TOPMed 0.00001.
gnomAD v4.1: 4 of 1,613,060 alleles (0.00025%); highest among the groups gnomAD compares: Non-Finnish European, 0.00034%; no homozygotes.

Submission:

PreventionGenetics, part of Exact Sciences
Classification: Likely benign for CAPN5-related condition. Last evaluated: 2019-06-07. Review status: no assertion criteria provided. Collection method: clinical testing. Allele origin: germline.
Comment: This variant is classified as likely benign based on ACMG/AMP sequence variant interpretation guidelines (Richards et al. 2015 PMID: 25741868, with internal and published modifications).

NM_004055.5(CAPN5):c.1743C>T (p.Val581=)

Gene: CAPN5 (calpain 5; plus strand). Cytogenetic location: 11q13.5.
Variant type: single nucleotide variant.
Coding change: c.1743C>T on transcript NM_004055.5 (MANE Select); coding-DNA position 1743, C replaced by T.
Protein change: p.Val581=; no amino-acid change (valine 581 retained).
Molecular consequence: synonymous variant.
Genome position (GRCh38, 1-based): chr11:77,123,690, C>T. VCF-style: chr11-77123690-C-T. GRCh37 (hg19) VCF-style: chr11-76834736-C-T.
Other names: c.1863C>T, p.Val621= (NM_001425321.1); c.1743C>T, p.Val581= (NM_001425322.1); c.1611C>T, p.Val537= (NM_001425323.1).
Identifiers: ClinVar variation 3044061 (VCV003044061.2), dbSNP rs781975929, ClinGen allele CA475793656.